The following is an entry in ClinVar:

ClinVar aggregate classification (germline): Uncertain significance (1 of 4 stars; one submission).

Submission:

CeGaT Center for Human Genetics Tuebingen
Classification: Uncertain significance. Last evaluated: 2026-02-01. Review status: criteria provided, single submitter. Criteria: CeGaT Center For Human Genetics Tuebingen Variant Classification Criteria Version 2. Collection method: clinical testing. Allele origin: germline. Affected: yes. Observed: 1 variant allele.
Comment: CBL: PM2

NM_005188.4(CBL):c.138C>G (p.His46Gln)

Genes: CBL (Cbl proto-oncogene; plus strand), LOC130006895 (ATAC-STARR-seq lymphoblastoid silent region 3975; plus strand). Cytogenetic location: 11q23.3.
Variant type: single nucleotide variant.
Coding change: c.138C>G on transcript NM_005188.4 (MANE Select); coding-DNA position 138, C replaced by G.
Protein change: p.His46Gln; replaces histidine 46 with glutamine.
Molecular consequence: missense variant.
Genome position (GRCh38, 1-based): chr11:119,206,555, C>G. VCF-style: chr11-119206555-C-G. GRCh37 (hg19) VCF-style: chr11-119077265-C-G.
Other names: short protein forms H46Q.
Identifiers: ClinVar variation 4822193 (VCV004822193.4).
Genomic context (GRCh38, chr11:119,206,555, plus strand): 5'-TGGGCTCATGAAGGACGCCTTCCAGCCGCACCACCACCACCACCACCACCTCAGCCCCCA[C>G]CCGCCGGGGACGGTGGACAAGAAGATGGTGGAGAAGTGCTGGAAGCTCATGGACAAGGTG-3'
Protein context (NP_005179.2, residues 36-56): HHHHHHHLSP[His46Gln]PPGTVDKKMV